The following is an entry in ClinVar:

ClinVar aggregate classification (germline): Uncertain significance. Review status: criteria provided, multiple submitters, no conflicts (2 of 4 stars). 2 submissions from 2 submitters: Uncertain significance (2). Last evaluated 2022-12-01.

Conditions:
Inborn genetic diseases. Identifiers: MedGen C0950123, MeSH D030342.

Allele frequency attached by ClinVar (database versions not stated): ExAC 0.00002; gnomAD 0.00002; gnomAD exomes 0.00002 and 0.00003; TOPMed 0.00003; ESP Exome Variant Server 0.00008.
gnomAD v4.1: 47 of 1,613,868 alleles (0.0029%); highest among the groups gnomAD compares: Non-Finnish European, 0.0037%; no homozygotes.

Submissions (2):

Ambry Genetics
Classification: Uncertain significance for Inborn genetic diseases. Last evaluated: 2022-12-01. Review status: criteria provided, single submitter. Criteria: Ambry Variant Classification Scheme 2023. Collection method: clinical testing. Allele origin: germline.

Labcorp Genetics (formerly Invitae), Labcorp
Classification: Uncertain significance. Last evaluated: 2022-09-06. Review status: criteria provided, single submitter. Criteria: Invitae Variant Classification Sherloc (09022015). Collection method: clinical testing. Allele origin: germline.
Comment: This sequence change replaces proline, which is neutral and non-polar, with serine, which is neutral and polar, at codon 1308 of the KIAA1549 protein (p.Pro1308Ser). This variant is present in population databases (rs369470245, gnomAD 0.004%). In summary, the available evidence is currently insufficient to determine the role of this variant in disease. Therefore, it has been classified as a Variant of Uncertain Significance. Algorithms developed to predict the effect of missense changes on protein structure and function (SIFT, PolyPhen-2, Align-GVGD) all suggest that this variant is likely to be disruptive. ClinVar contains an entry for this variant (Variation ID: 1053801). This variant has not been reported in the literature in individuals affected with KIAA1549-related conditions.

NM_001164665.2(KIAA1549):c.3922C>T (p.Pro1308Ser)

Gene: KIAA1549 (KIAA1549; minus strand). Cytogenetic location: 7q34.
Variant type: single nucleotide variant.
Coding change: c.3922C>T on transcript NM_001164665.2 (MANE Select); coding-DNA position 3922, C replaced by T.
Protein change: p.Pro1308Ser; replaces proline 1308 with serine.
Molecular consequence: missense variant.
Genome position (GRCh38, 1-based): chr7:138,894,452, G>A on the plus strand (C>T on the coding strand, the complement: KIAA1549 is on the minus strand). VCF-style: chr7-138894452-G-A. GRCh37 (hg19) VCF-style: chr7-138579198-G-A.
Other names: c.3922C>T, p.Pro1308Ser (NM_020910.3); c.3922C>T (NM_001164665.1); short protein forms P1308S.
Identifiers: ClinVar variation 1053801 (VCV001053801.8), dbSNP rs369470245, ClinGen allele CA4506065.